The following is an entry in ClinVar:

NM_014363.6(SACS):c.8899C>A (p.Arg2967Ser)

Gene: SACS (sacsin molecular chaperone; minus strand). Cytogenetic location: 13q12.12.
Variant type: single nucleotide variant.
Coding change: c.8899C>A on transcript NM_014363.6 (MANE Select); coding-DNA position 8899, C replaced by A.
Protein change: p.Arg2967Ser; replaces arginine 2967 with serine.
Molecular consequence: missense variant.
Genome position (GRCh38, 1-based): chr13:23,334,977, G>T on the plus strand (C>A on the coding strand, the complement: SACS is on the minus strand). VCF-style: chr13-23334977-G-T. GRCh37 (hg19) VCF-style: chr13-23909116-G-T.
Other names: c.8458C>A, p.Arg2820Ser (NM_001278055.2); short protein forms R2967S, R2820S.
Identifiers: ClinVar variation 391872 (VCV000391872.2), dbSNP rs746834684, ClinGen allele CA16606401.

ClinVar aggregate classification (germline): Uncertain significance (1 of 4 stars; one submission).

gnomAD v4.1: 1 of 1,613,806 alleles (0.000062%); highest among the groups gnomAD compares: Middle Eastern, 0.016%; no homozygotes.

Submission:

GeneDx
Classification: Uncertain significance. Last evaluated: 2018-02-26. Review status: criteria provided, single submitter. Criteria: GeneDx Variant Classification (06012015). Collection method: clinical testing. Allele origin: germline. Affected: yes.
Comment: The R2967S variant in the SACS gene has not been reported previously as a pathogenic variant, nor as a benign variant, to our knowledge. The R2967S variant was not observed in approximately 6500 individuals of European and African American ancestry in the NHLBI Exome Sequencing Project, indicating it is not a common benign variant in these populations. The R2967S variant is a semi-conservative amino acid substitution, which may impact secondary protein structure as these residues differ in some properties. This substitution occurs at a position that is conserved across species, however, in silico analysis is inconsistent in its predictions as to whether or not the variant is damaging to the protein structure/function. Therefore, we interpret R2967S as a variant of uncertain significance.